The following is an entry in ClinVar:

NM_000382.3(ALDH3A2):c.798+1_798+6del

Gene: ALDH3A2 (aldehyde dehydrogenase 3 family member A2; plus strand). Cytogenetic location: 17p11.2.
Variant type: Deletion.
Coding change: c.798+1_798+6del on transcript NM_000382.3 (MANE Select); the canonical splice donor site of the intron after coding-DNA position 798 through 6 bases into the intron after coding-DNA position 798, 6 bases deleted (GTTTGT; older notation c.798+1_798+6delGTTTGT).
Molecular consequence: splice donor variant.
Genome position (GRCh38, 1-based): chr17:19,657,863-19,657,868, GTTTGT deleted. VCF-style (leftmost placement, unchanged base first): chr17-19657862-GGTTTGT-G. GRCh37 (hg19) VCF-style: chr17-19561175-GGTTTGT-G.
Other names: c.219+1_219+6del (NM_001369148.2); c.798+1_798+6del (NM_001369137.2, NM_001369138.2, NM_001369146.2 and 3 more transcripts).
Identifiers: ClinVar variation 371540 (VCV000371540.11), dbSNP rs1057517352, ClinGen allele CA16041813.
Genomic context (GRCh38, chr17:19,657,862, plus strand): 5'-TATTCTCTGTGAAGCATCCCTCCAAAATCAAATTGTATGGAAGATTAAGGAAACAGTGAA[GGTTTGT>G]ATTAAAAACATCTGATTCCACTGATTTTAATAAGATAAGGAGTCAAATTAACTATTCGCA-3'

ClinVar aggregate classification (germline): Pathogenic. Review status: criteria provided, single submitter (1 of 4 stars). 3 submissions from 3 submitters: Pathogenic (1). 2 of the submissions do not count toward it. Last evaluated 2023-04-07.

Conditions:
Sjögren-Larsson syndrome (SLS). Also called: ICHTHYOSIS, SPASTIC NEUROLOGIC DISORDER, AND OLIGOPHRENIA; FALDH DEFICIENCY; FATTY ALCOHOL:NAD+ OXIDOREDUCTASE DEFICIENCY; FATTY ALDEHYDE DEHYDROGENASE DEFICIENCY. Identifiers: Orphanet 816, MedGen C0037231, MONDO:0010031, OMIM 270200.

Allele frequency attached by ClinVar (database versions not stated): gnomAD exomes below 0.00001 and 0.00001.

Submissions (3):

Labcorp Genetics (formerly Invitae), Labcorp
Classification: Pathogenic. Last evaluated: 2023-04-07. Review status: criteria provided, single submitter. Criteria: Invitae Variant Classification Sherloc (09022015). Collection method: clinical testing. Allele origin: germline.
Comment: For these reasons, this variant has been classified as Pathogenic. This variant disrupts a region of the ALDH3A2 protein in which other variant(s) (p.Cys237Tyr) have been determined to be pathogenic (PMID: 10577908, 16903323, 20049467). This suggests that this is a clinically significant region of the protein, and that variants that disrupt it are likely to be disease-causing. Studies have shown that disruption of this splice site results in skipping of exons 4-5, but is expected to preserve the integrity of the reading-frame (PMID: 10577908). ClinVar contains an entry for this variant (Variation ID: 371540). Disruption of this splice site has been observed in individual(s) with Sjogren-Larsson syndrome (PMID: 10577908). This variant is present in population databases (no rsID available, gnomAD 0.003%). This sequence change affects a splice site in intron 5 of the ALDH3A2 gene. RNA analysis indicates that disruption of this splice site induces altered splicing and likely results in a shortened protein product.

Natera, Inc.
Classification: Pathogenic for Sjögren-Larsson syndrome. Last evaluated: 2020-11-28. Review status: no assertion criteria provided. Collection method: clinical testing. Allele origin: germline. Not counted in ClinVar's aggregate classification.

Counsyl
Classification: Likely pathogenic for Sjögren-Larsson syndrome. Last evaluated: 2016-10-12. Review status: no assertion criteria provided. Collection method: clinical testing. Allele origin: unknown. Not counted in ClinVar's aggregate classification.

Literature cited by the submitters: PubMed 10577908 (cited by Labcorp Genetics (formerly Invitae), Labcorp and Counsyl); PubMed 16903323 (cited by Labcorp Genetics (formerly Invitae), Labcorp); PubMed 20049467 (cited by Labcorp Genetics (formerly Invitae), Labcorp).